The following is an entry in ClinVar:

NM_033028.5(BBS4):c.439T>A (p.Tyr147Asn)

Gene: BBS4 (Bardet-Biedl syndrome 4; plus strand). Cytogenetic location: 15q24.1.
Variant type: single nucleotide variant.
Coding change: c.439T>A on transcript NM_033028.5 (MANE Select); coding-DNA position 439, T replaced by A.
Protein change: p.Tyr147Asn; replaces tyrosine 147 with asparagine.
Molecular consequence: missense variant. On other transcripts: 5 prime UTR variant (1), non-coding transcript variant (2).
Genome position (GRCh38, 1-based): chr15:72,722,827, T>A. VCF-style: chr15-72722827-T-A. GRCh37 (hg19) VCF-style: chr15-73015168-T-A.
Other names: c.-78T>A (NM_001252678.2); c.439T>A, p.Tyr147Asn (NM_001320665.2); short protein forms Y147N.
Identifiers: ClinVar variation 1022615 (VCV001022615.11), dbSNP rs781691906, ClinGen allele CA393075681.
Genomic context (GRCh38, chr15:72,722,827, plus strand): 5'-TGTTTTCCTTCTTTTTTATGAGCCTAGGAGATCAGCCATAACCTAGGAGTTTGCTACATA[T>A]ACCTGAAGCAGTTCAACAAGGTAATTTATAGAAGTGGTGATAGATTTCACTGAGGGTGCA-3'
Protein context (NP_149017.2, residues 137-157): ISHNLGVCYI[Tyr147Asn]LKQFNKAQDQ

ClinVar aggregate classification (germline): Uncertain significance. Review status: criteria provided, multiple submitters, no conflicts (2 of 4 stars). 5 submissions from 5 submitters: Uncertain significance (5). Last evaluated 2026-06-18.

Conditions:
Bardet-Biedl syndrome (BBS). Identifiers: Orphanet 110, MedGen C0752166, MONDO:0015229.
BBS4-related disorder. Also called: BBS4-related condition.
Bardet-Biedl syndrome 4 (BBS4). Identifiers: Orphanet 110, MedGen C2936864, MONDO:0014433, OMIM 615982.

gnomAD v4.1: 7 of 1,613,802 alleles (0.00043%); highest among the groups gnomAD compares: Admixed American, 0.0017%; no homozygotes.

Submissions (5):

PreventionGenetics, part of Exact Sciences
Classification: Uncertain significance for BBS4-related condition. Last evaluated: 2026-06-18. Review status: criteria provided, single submitter. Criteria: ACMG Guidelines, 2015. Collection method: clinical testing. Allele origin: germline.
Comment: The BBS4 c.439T>A variant is predicted to result in the amino acid substitution p.Tyr147Asn. This variant has been reported in an individual with Bardet-Biedl syndrome (Tables 2, S2 and S4, Lindstrand et al. 2016. PubMed ID: 27486776). However, this individual harbored additional variants in other Bardet-Biedl syndrome-associated genes. This variant is reported in 0.0029% of alleles in individuals of Latino descent in gnomAD. At this time, the clinical significance of this variant is uncertain due to the absence of conclusive functional and genetic evidence.

Labcorp Genetics (formerly Invitae), Labcorp
Classification: Uncertain significance for Bardet-Biedl syndrome. Last evaluated: 2025-11-05. Review status: criteria provided, single submitter. Criteria: Invitae Variant Classification Sherloc (09022015). Collection method: clinical testing. Allele origin: germline.
Comment: This sequence change replaces tyrosine, which is neutral and polar, with asparagine, which is neutral and polar, at codon 147 of the BBS4 protein (p.Tyr147Asn). This variant is present in population databases (no rsID available, gnomAD 0.003%). This missense change has been observed in individual(s) with Bardet Biedl syndrome (PMID: 27486776). ClinVar contains an entry for this variant (Variation ID: 1022615). Invitae Evidence Modeling of protein sequence and biophysical properties (such as structural, functional, and spatial information, amino acid conservation, physicochemical variation, residue mobility, and thermodynamic stability) indicates that this missense variant is not expected to disrupt BBS4 protein function with a negative predictive value of 80%. In summary, the available evidence is currently insufficient to determine the role of this variant in disease. Therefore, it has been classified as a Variant of Uncertain Significance.

Fulgent Genetics
Classification: Uncertain significance for Bardet-Biedl syndrome 4. Last evaluated: 2024-03-04. Review status: criteria provided, single submitter. Criteria: ACMG Guidelines, 2015. Collection method: clinical testing. Allele origin: germline.

Women's Health and Genetics/Laboratory Corporation of America, LabCorp
Classification: Uncertain significance. Last evaluated: 2023-02-07. Review status: criteria provided, single submitter. Criteria: LabCorp Variant Classification Summary - May 2015. Collection method: clinical testing. Allele origin: germline.
Comment: Variant summary: BBS4 c.439T>A (p.Tyr147Asn) results in a non-conservative amino acid change in the encoded protein sequence. Three of five in-silico tools predict a benign effect of the variant on protein function. The variant allele was found at a frequency of 8e-06 in 251190 control chromosomes. The available data on variant occurrences in the general population are insufficient to allow any conclusion about variant significance. c.439T>A has been reported in the literature in at least one individual affected with Bardet-Biedl Syndrome, however, no second BBS4 variant was identified in trans and the authors of the study attributed the individual's phenotype to compound heterozygous variants identified in BBS1 (e.g., Lindstrand_2016). The publication also reports experimental evidence evaluating an impact on protein function in an in vivo zebrafish embryo complementation model, finding embryos with the variant display a phenotype similar to the bbs4 null model (Lindstrand_2016). However, these findings do not allow convincing conclusions about the variant effect in humans. Three ClinVar submitters (evaluation after 2014) have cited the variant, and all laboratories classified the variant as uncertain significance. Based on the evidence outlined above, the variant was classified as uncertain significance.

Baylor Genetics
Classification: Uncertain significance for Bardet-Biedl syndrome 4. Last evaluated: 2019-01-11. Review status: criteria provided, single submitter. Criteria: ACMG Guidelines, 2015. Collection method: clinical testing. Allele origin: unknown. Affected: yes.
Comment: This variant was determined to be of uncertain significance according to ACMG Guidelines, 2015 [PMID:25741868].

Literature cited by the submitters: PubMed 27486776 (cited by Labcorp Genetics (formerly Invitae), Labcorp and Women's Health and Genetics/Laboratory Corporation of America, LabCorp).